The following is an entry in ClinVar:

Single allele

Genes: SOX5 (SRY-box transcription factor 5; minus strand), LOC132090076 (Neanderthal introgressed variant-containing enhancer experimental_26611; plus strand). Cytogenetic location: 12p12.1.
Variant type: Deletion.
Identifiers: ClinVar variation 496727 (VCV000496727.5).

ClinVar aggregate classification (germline): Pathogenic (1 of 4 stars; one submission).

Conditions:
Optic nerve hypoplasia. Identifiers: MedGen C0338502, HP:0000609.

Submission:

Rare Disease Group, Clinical Genetics, Karolinska Institutet
Classification: Pathogenic for Optic nerve hypoplasia. Review status: criteria provided, single submitter. Criteria: ACMG Guidelines, 2015. Collection method: research. Allele origin: unknown. Inheritance: Autosomal dominant inheritance. Affected: yes. Observed: 1 variant allele, 1 heterozygote.
Comment: SOX5 previously described in Lamb-Schaffer syndrome that sometimes involves optic nerve hypoplasia. Similar deletions of SOX5 causing the same phenotype have been reported, PMID 22290657.